The following is an entry in ClinVar:

NM_016363.5(GP6):c.890G>A (p.Arg297His)

Gene: GP6 (glycoprotein VI platelet; minus strand). Cytogenetic location: 19q13.42.
Variant type: single nucleotide variant.
Coding change: c.890G>A on transcript NM_016363.5 (MANE Select); coding-DNA position 890, G replaced by A.
Protein change: p.Arg297His; replaces arginine 297 with histidine.
Molecular consequence: missense variant. On other transcripts: synonymous variant (1).
Genome position (GRCh38, 1-based): chr19:55,015,051, C>T on the plus strand (G>A on the coding strand, the complement: GP6 is on the minus strand). VCF-style: chr19-55015051-C-T. GRCh37 (hg19) VCF-style: chr19-55526419-C-T.
Other names: c.894G>A (NM_001083899.1); c.894G>A, p.Ala298= (NM_001083899.2); c.836G>A, p.Arg279His (NM_001256017.2); short protein forms R279H, R297H.
Identifiers: ClinVar variation 2964895 (VCV002964895.6), dbSNP rs779935541, ClinGen allele CA310121877.

ClinVar aggregate classification (germline): Likely benign. Review status: criteria provided, multiple submitters, no conflicts (2 of 4 stars). 3 submissions from 3 submitters: Likely benign (3). Last evaluated 2025-07-31.

Conditions:
Inborn genetic diseases. Identifiers: MedGen C0950123, MeSH D030342.

Allele frequency attached by ClinVar (database versions not stated): ExAC 0.00019; gnomAD 0.00002; gnomAD exomes 0.00003; TOPMed 0.00003.
gnomAD v4.1: 50 of 1,607,584 alleles (0.0031%); highest among the groups gnomAD compares: East Asian, 0.085%; no homozygotes.

Submissions (3):

Labcorp Genetics (formerly Invitae), Labcorp
Classification: Likely benign. Last evaluated: 2025-07-31. Review status: criteria provided, single submitter. Criteria: Invitae Variant Classification Sherloc (09022015). Collection method: clinical testing. Allele origin: germline.

Ambry Genetics
Classification: Likely benign for Inborn genetic diseases. Last evaluated: 2024-04-24. Review status: criteria provided, single submitter. Criteria: Ambry Variant Classification Scheme 2023. Collection method: clinical testing. Allele origin: germline.

Women's Health and Genetics/Laboratory Corporation of America, LabCorp
Classification: Likely benign. Last evaluated: 2024-03-28. Review status: criteria provided, single submitter. Criteria: LabCorp Variant Classification Summary - May 2015. Collection method: clinical testing. Allele origin: germline.
Comment: Variant summary: GP6 c.894G>A alters a non-conserved nucleotide resulting in a synonymous change. Three of three in-silico tools predict a benign effect of the variant on protein function. Consensus agreement among computation tools predict no significant impact on normal splicing. However, these predictions have yet to be confirmed by functional studies. The variant allele was found at a frequency of 7.7e-05 in 232934 control chromosomes. This frequency does not allow for any conclusion about variant significance. To our knowledge, no occurrence of c.894G>A in individuals affected with Platelet-Type Bleeding Disorder 11 and no experimental evidence demonstrating its impact on protein function have been reported. No submitters have cited clinical-significance assessments for this variant to ClinVar. Based on the evidence outlined above, the variant was classified as likely benign.